The following is an entry in ClinVar:

ClinVar aggregate classification (germline): Likely benign. Review status: criteria provided, multiple submitters, no conflicts (2 of 4 stars). 5 submissions from 5 submitters: Likely benign (3). 2 of the submissions do not count toward it. Last evaluated 2025-10-13.

Conditions:
PRDM13-related disorder. Also called: PRDM13-related condition.

Allele frequency attached by ClinVar (database versions not stated): gnomAD 0.00002; gnomAD exomes 0.00002; TOPMed 0.00003; ExAC 0.00004.
gnomAD v4.1: 32 of 1,613,220 alleles (0.002%); highest among the groups gnomAD compares: Non-Finnish European, 0.0021%; no homozygotes.

Submissions (5):

PreventionGenetics, part of Exact Sciences
Classification: Likely benign for PRDM13-related condition. Last evaluated: 2025-10-13. Review status: criteria provided, single submitter. Criteria: ACMG Guidelines, 2015. Collection method: clinical testing. Allele origin: germline.
Comment: This variant is classified as likely benign based on ACMG/AMP sequence variant interpretation guidelines (Richards et al. 2015 PMID: 25741868, with internal and published modifications).

Labcorp Genetics (formerly Invitae), Labcorp
Classification: Likely benign. Last evaluated: 2025-03-27. Review status: criteria provided, single submitter. Criteria: Invitae Variant Classification Sherloc (09022015). Collection method: clinical testing. Allele origin: germline.

Blueprint Genetics
Classification: Likely benign. Last evaluated: 2024-08-08. Review status: criteria provided, single submitter. Criteria: ACMG Guidelines, 2015. Collection method: clinical testing. Allele origin: germline.

Clinical Genetics DNA and cytogenetics Diagnostics Lab, Erasmus MC, Erasmus Medical Center
Classification: Likely benign. Review status: no assertion criteria provided. Collection method: clinical testing. Allele origin: germline. Affected: yes. Study: VKGL Data-share Consensus. Not counted in ClinVar's aggregate classification.

Clinical Genetics, Academic Medical Center
Classification: Likely benign. Review status: no assertion criteria provided. Collection method: clinical testing. Allele origin: germline. Affected: yes. Study: VKGL Data-share Consensus. Not counted in ClinVar's aggregate classification.

NM_021620.4(PRDM13):c.492C>T (p.Gly164=)

Gene: PRDM13 (PR/SET domain 13; plus strand). Cytogenetic location: 6q16.2.
Variant type: single nucleotide variant.
Coding change: c.492C>T on transcript NM_021620.4 (MANE Select); coding-DNA position 492, C replaced by T.
Protein change: p.Gly164=; no amino-acid change (glycine 164 retained).
Molecular consequence: synonymous variant.
Genome position (GRCh38, 1-based): chr6:99,613,127, C>T. VCF-style: chr6-99613127-C-T. GRCh37 (hg19) VCF-style: chr6-100061003-C-T.
Other names: c.492C>T (NM_021620.3).
Identifiers: ClinVar variation 1299904 (VCV001299904.9), dbSNP rs780474604, ClinGen allele CA3936220.